The following is an entry in ClinVar:

NM_001379110.1(SLC9A6):c.1876G>A (p.Ala626Thr)

Gene: SLC9A6 (solute carrier family 9 member A6; plus strand). Cytogenetic location: Xq26.3.
Variant type: single nucleotide variant.
Coding change: c.1876G>A on transcript NM_001379110.1 (MANE Select); coding-DNA position 1876, G replaced by A.
Protein change: p.Ala626Thr; replaces alanine 626 with threonine.
Molecular consequence: missense variant.
Genome position (GRCh38, 1-based): chrX:136,044,560, G>A. VCF-style: chrX-136044560-G-A. GRCh37 (hg19) VCF-style: chrX-135126719-G-A.
Other names: c.1942G>A, p.Ala648Thr (NM_001042537.2); c.1786G>A, p.Ala596Thr (NM_001177651.2); c.1690G>A, p.Ala564Thr (NM_001330652.2); c.1846G>A, p.Ala616Thr (NM_006359.3); c.1846G>A (NM_006359.2); short protein forms A596T, A564T, A616T, A648T, A626T.
Identifiers: ClinVar variation 1038955 (VCV001038955.10), dbSNP rs1556623211, ClinGen allele CA414756945.

ClinVar aggregate classification (germline): Uncertain significance. Review status: criteria provided, multiple submitters, no conflicts (2 of 4 stars). 2 submissions from 2 submitters: Uncertain significance (2). Last evaluated 2025-12-10.

Conditions:
Inborn genetic diseases. Identifiers: MedGen C0950123, MeSH D030342.
Christianson syndrome (MRXSCH). Also called: SLC9A6-Related Syndromic Mental Retardation; INTELLECTUAL DEVELOPMENTAL DISORDER, X-LINKED, SYNDROMIC, CHRISTIANSON TYPE; X-linked mental retardation, syndromic, Christianson type. Identifiers: Orphanet 85278, MedGen C2678194, MONDO:0010278, OMIM 300243.

Allele frequency attached by ClinVar (database versions not stated): gnomAD exomes below 0.00001 and 0.00001; TOPMed 0.00001.
gnomAD v4.1: 3 of 1,211,140 alleles (0.00025%); highest among the groups gnomAD compares: Admixed American, 0.0043%; no homozygotes.

Submissions (2):

Ambry Genetics
Classification: Uncertain significance for Inborn genetic diseases. Last evaluated: 2025-12-10. Review status: criteria provided, single submitter. Criteria: Ambry Variant Classification Scheme 2023. Collection method: clinical testing. Allele origin: germline.

Labcorp Genetics (formerly Invitae), Labcorp
Classification: Uncertain significance for Christianson syndrome. Last evaluated: 2023-01-09. Review status: criteria provided, single submitter. Criteria: Invitae Variant Classification Sherloc (09022015). Collection method: clinical testing. Allele origin: germline.
Comment: In summary, the available evidence is currently insufficient to determine the role of this variant in disease. Therefore, it has been classified as a Variant of Uncertain Significance. Algorithms developed to predict the effect of missense changes on protein structure and function (SIFT, PolyPhen-2, Align-GVGD) all suggest that this variant is likely to be tolerated. ClinVar contains an entry for this variant (Variation ID: 1038955). This variant has not been reported in the literature in individuals affected with SLC9A6-related conditions. This variant is present in population databases (no rsID available, gnomAD 0.008%). This sequence change replaces alanine, which is neutral and non-polar, with threonine, which is neutral and polar, at codon 616 of the SLC9A6 protein (p.Ala616Thr).